The following is an entry in ClinVar:

ClinVar aggregate classification (germline): Uncertain significance (1 of 4 stars; one submission).

Conditions:
Hereditary spastic paraplegia 8 (SPG8). Also called: SPASTIC PARAPLEGIA 8, AUTOSOMAL DOMINANT. Identifiers: Orphanet 100989, MedGen C1863704, MONDO:0011339, OMIM 603563.
Ritscher-Schinzel syndrome. Also called: CRANIOCEREBELLOCARDIAC DYSPLASIA. Identifiers: Orphanet 7, MedGen C0796137, MONDO:0019078.

Submission:

Labcorp Genetics (formerly Invitae), Labcorp
Classification: Uncertain significance for Ritscher-Schinzel syndrome; Hereditary spastic paraplegia 8. Last evaluated: 2022-01-26. Review status: criteria provided, single submitter. Criteria: Invitae Variant Classification Sherloc (09022015). Collection method: clinical testing. Allele origin: germline.
Comment: This sequence change replaces leucine, which is neutral and non-polar, with isoleucine, which is neutral and non-polar, at codon 879 of the WASHC5 protein (p.Leu879Ile). This variant is not present in population databases (gnomAD no frequency). This variant has not been reported in the literature in individuals affected with WASHC5-related conditions. Algorithms developed to predict the effect of missense changes on protein structure and function are either unavailable or do not agree on the potential impact of this missense change (SIFT: "Tolerated"; PolyPhen-2: "Probably Damaging"; Align-GVGD: "Class C0"). In summary, the available evidence is currently insufficient to determine the role of this variant in disease. Therefore, it has been classified as a Variant of Uncertain Significance.

NM_014846.4(WASHC5):c.2635C>A (p.Leu879Ile)

Genes: WASHC5 (WASH complex subunit 5; minus strand), WASHC5-AS1 (WASHC5 antisense RNA 1; plus strand). Cytogenetic location: 8q24.13.
Variant type: single nucleotide variant.
Coding change: c.2635C>A on transcript NM_014846.4 (MANE Select); coding-DNA position 2635, C replaced by A.
Protein change: p.Leu879Ile; replaces leucine 879 with isoleucine.
Molecular consequence: missense variant. On other transcripts: non-coding transcript variant (1).
Genome position (GRCh38, 1-based): chr8:125,044,568, G>T on the plus strand (C>A on the coding strand, the complement: WASHC5 is on the minus strand). VCF-style: chr8-125044568-G-T. GRCh37 (hg19) VCF-style: chr8-126056810-G-T.
Other names: c.2191C>A, p.Leu731Ile (NM_001330609.2); short protein forms L731I, L879I.
Identifiers: ClinVar variation 2008542 (VCV002008542.4), dbSNP rs2537305882, ClinGen allele CA372188262.